The following is an entry in ClinVar:

ClinVar aggregate classification (germline): Uncertain significance (1 of 4 stars; one submission).

Allele frequency attached by ClinVar (database versions not stated): gnomAD 0.00001; gnomAD exomes 0.00002.

Submission:

Labcorp Genetics (formerly Invitae), Labcorp
Classification: Uncertain significance. Last evaluated: 2024-05-07. Review status: criteria provided, single submitter. Criteria: Invitae Variant Classification Sherloc (09022015). Collection method: clinical testing. Allele origin: germline.
Comment: This sequence change replaces aspartic acid, which is acidic and polar, with asparagine, which is neutral and polar, at codon 464 of the AGAP1 protein (p.Asp464Asn). This variant is present in population databases (rs763938420, gnomAD 0.008%). This variant has not been reported in the literature in individuals affected with AGAP1-related conditions. An algorithm developed to predict the effect of missense changes on protein structure and function (PolyPhen-2) suggests that this variant is likely to be tolerated. Algorithms developed to predict the effect of sequence changes on RNA splicing suggest that this variant may create or strengthen a splice site. In summary, the available evidence is currently insufficient to determine the role of this variant in disease. Therefore, it has been classified as a Variant of Uncertain Significance.

NM_001037131.3(AGAP1):c.1549G>A (p.Asp517Asn)

Gene: AGAP1 (ArfGAP with GTPase domain, ankyrin repeat and PH domain 1; plus strand). Cytogenetic location: 2q37.2.
Variant type: single nucleotide variant.
Coding change: c.1549G>A on transcript NM_001037131.3 (MANE Select); coding-DNA position 1549, G replaced by A.
Protein change: p.Asp517Asn; replaces aspartic acid 517 with asparagine.
Molecular consequence: missense variant.
Genome position (GRCh38, 1-based): chr2:235,968,527, G>A. VCF-style: chr2-235968527-G-A. GRCh37 (hg19) VCF-style: chr2-236877171-G-A.
Other names: c.1390G>A, p.Asp464Asn (NM_014914.5); short protein forms D517N, D464N.
Identifiers: ClinVar variation 3016759 (VCV003016759.3), dbSNP rs763938420, ClinGen allele CA2184901.